The following is an entry in ClinVar:

NM_000535.7(PMS2):c.2259del (p.Phe753fs)

Gene: PMS2 (PMS1 homolog 2, mismatch repair system component; minus strand). Cytogenetic location: 7p22.1.
Variant type: Deletion.
Coding change: c.2259del on transcript NM_000535.7 (MANE Select); coding-DNA position 2259, one base deleted (T; older notation c.2259delT).
Protein change: p.Phe753fs; shifts the reading frame from phenylalanine 753.
Molecular consequence: frameshift variant. On other transcripts: non-coding transcript variant (1).
Genome position (GRCh38, 1-based): chr7:5,978,612, A deleted on the plus strand (T on the coding strand, the reverse complement: PMS2 is on the minus strand); the first of 4 consecutive A bases (chr7:5,978,612-5,978,615); deleting any one gives the same sequence. VCF-style (leftmost placement, unchanged base first): chr7-5978611-CA-C. GRCh37 (hg19) VCF-style: chr7-6018242-CA-C.
Other names: c.1938delT, p.Phe647Leufs (NM_001406883.1, NM_001406876.1); c.1932delT, p.Phe645Leufs (NM_001406884.1); c.1851delT, p.Phe618Leufs (NM_001406887.1, NM_001406889.1, NM_001406890.1 and 11 more transcripts); c.1920delT, p.Phe641Leufs (NM_001406885.1); c.1890delT, p.Phe631Leufs (NM_001406886.1); c.1854del, p.Phe618fs (NM_001322003.2, NM_001322004.2, NM_001322005.2 and 1 more transcripts); c.2103del, p.Phe701fs (NM_001322006.2); c.1941del, p.Phe647fs (NM_001322007.2, NM_001322008.2); and 21 more; short protein forms F566fs, F650fs, F562fs, F647fs, F753fs, F442fs, F701fs, F618fs.
Identifiers: ClinVar variation 1788560 (VCV001788560.2), dbSNP rs2535387771, ClinGen allele CA2580076823.
Genomic context (GRCh38, chr7:5,978,611, plus strand): 5'-GTGAGCCACCACACCCAGCCGCTATAGTTCTAATTAATAACTTACCATTTTCATCGATAA[CA>C]AAATCAAAGCCATTCTTTCTAAATATTTCCAGATTTTCTATCAGAACAGCTTCATTAACA-3'

ClinVar aggregate classification (germline): Pathogenic (1 of 4 stars; one submission).

Conditions:
Hereditary cancer-predisposing syndrome. Also called: Hereditary Cancer Syndrome; Hereditary neoplastic syndrome; Tumor predisposition; Neoplastic Syndromes, Hereditary. Identifiers: Orphanet 140162, MedGen C0027672, MeSH D009386, MONDO:0015356.

Submission:

Ambry Genetics
Classification: Pathogenic for Hereditary cancer-predisposing syndrome. Last evaluated: 2021-07-30. Review status: criteria provided, single submitter. Criteria: Ambry Variant Classification Scheme 2023. Collection method: clinical testing. Allele origin: germline.
Comment: The c.2259delT pathogenic mutation, located in coding exon 13 of the PMS2 gene, results from a deletion of one nucleotide at nucleotide position 2259, causing a translational frameshift with a predicted alternate stop codon (p.F753Lfs*15). This alteration is expected to result in loss of function by premature protein truncation or nonsense-mediated mRNA decay. As such, this alteration is interpreted as a disease-causing mutation.